The following is an entry in ClinVar:

NM_000533.5(PLP1):c.137T>C (p.Leu46Pro)

Genes: PLP1 (proteolipid protein 1; plus strand), RAB9B (RAB9B, member RAS oncogene family; minus strand). Cytogenetic location: Xq22.2.
Variant type: single nucleotide variant.
Coding change: c.137T>C on transcript NM_000533.5 (MANE Select); coding-DNA position 137, T replaced by C.
Protein change: p.Leu46Pro; replaces leucine 46 with proline.
Molecular consequence: missense variant. On other transcripts: intron variant (1).
Genome position (GRCh38, 1-based): chrX:103,785,714, T>C. VCF-style: chrX-103785714-T-C. GRCh37 (hg19) VCF-style: chrX-103040643-T-C.
Other names: c.137T>C, p.Leu46Pro (NM_001128834.3, NM_199478.3); c.5-33T>C (NM_001305004.1); short protein forms L46P.
Identifiers: ClinVar variation 3255462 (VCV003255462.2), dbSNP rs2522301673.

ClinVar aggregate classification (germline): Likely pathogenic (1 of 4 stars; one submission).

Conditions:
Pelizaeus-Merzbacher disease. Also called: LEUKODYSTROPHY, HYPOMYELINATING, 1; Sudanophilic leukodystrophy; Pelizaeus-Merzbacher spectrum disorder; Pelizaeus-Merzbacher Disease (PMD); Pelizeaus-Merzbacher spectrum disorder. Identifiers: Orphanet 702, MedGen C0205711, MONDO:0010714, OMIM 312080, HP:0003269.

Submission:

Molecular Diagnostics Lab, Nemours Children's Health, Delaware
Classification: Likely pathogenic for Pelizaeus-Merzbacher disease. Last evaluated: 2021-02-19. Review status: criteria provided, single submitter. Criteria: ACMG Guidelines, 2015. Collection method: clinical testing. Allele origin: unknown. Inheritance: X-linked inheritance. Affected: yes. Observed: 1 hemizygote.
Comment: This missense variant (c.137T>C, p.Leu46Pro) has not been observed in population databases (gnomAD). It has been described in the literature (PMID 9934976, PMID 15712223). Variant prediction programs suggest a deleterious effect on the PLP1 protein, but no functional studies have been published.

Literature cited by the submitters: PubMed 9934976; PubMed 15712223.